The following is an entry in ClinVar:

NM_024735.5(FBXO31):c.1536C>T (p.Val512=)

Gene: FBXO31 (F-box protein 31; minus strand). Cytogenetic location: 16q24.2.
Variant type: single nucleotide variant.
Coding change: c.1536C>T on transcript NM_024735.5 (MANE Select); coding-DNA position 1536, C replaced by T.
Protein change: p.Val512=; no amino-acid change (valine 512 retained).
Molecular consequence: synonymous variant.
Genome position (GRCh38, 1-based): chr16:87,331,372, G>A on the plus strand (C>T on the coding strand, the complement: FBXO31 is on the minus strand). VCF-style: chr16-87331372-G-A. GRCh37 (hg19) VCF-style: chr16-87364978-G-A.
Other names: c.1020C>T, p.Val340= (NM_001282683.2).
Identifiers: ClinVar variation 2646950 (VCV002646950.24), dbSNP rs2507826195, ClinGen allele CA497015812.

ClinVar aggregate classification (germline): Likely benign (1 of 4 stars; one submission).

gnomAD v4.1: 1 of 1,613,966 alleles (0.000062%); no homozygotes.

Submission:

CeGaT Center for Human Genetics Tuebingen
Classification: Likely benign. Last evaluated: 2023-04-01. Review status: criteria provided, single submitter. Criteria: CeGaT Center For Human Genetics Tuebingen Variant Classification Criteria Version 2. Collection method: clinical testing. Allele origin: germline. Affected: yes. Observed: 1 variant allele.
Comment: FBXO31: PM2:Supporting, BP4, BP7